The following is an entry in ClinVar:

NM_015450.3(POT1):c.1506-10T>C

Gene: POT1 (protection of telomeres 1; minus strand). Cytogenetic location: 7q31.33.
Variant type: single nucleotide variant.
Coding change: c.1506-10T>C on transcript NM_015450.3 (MANE Select); 10 bases into the intron before coding-DNA position 1506, T replaced by C.
Molecular consequence: intron variant.
Genome position (GRCh38, 1-based): chr7:124,829,352, A>G on the plus strand (T>C on the coding strand, the complement: POT1 is on the minus strand). VCF-style: chr7-124829352-A-G. GRCh37 (hg19) VCF-style: chr7-124469406-A-G.
Other names: c.1113-10T>C (NM_001042594.2).
Identifiers: ClinVar variation 1691874 (VCV001691874.1), dbSNP rs2116422359, ClinGen allele CA2573141661.

ClinVar aggregate classification (germline): Uncertain significance (1 of 4 stars; one submission).

Conditions:
Hereditary cancer-predisposing syndrome. Also called: Hereditary Cancer Syndrome; Hereditary neoplastic syndrome; Neoplastic Syndromes, Hereditary; Tumor predisposition. Identifiers: Orphanet 140162, MedGen C0027672, MeSH D009386, MONDO:0015356.

Submission:

Sema4
Classification: Uncertain significance for Hereditary cancer-predisposing syndrome. Last evaluated: 2021-12-09. Review status: criteria provided, single submitter. Criteria: Sema4 Curation Guidelines. Collection method: curation. Allele origin: germline.
Comment: The POT1 c.1506-10T>C variant has not been reported in the literature to our knowledge. It was not observed in the large and broad cohorts of the Genome Aggregation Database, This variant has not been reported in ClinVar. In silico tools that predict the effect of sequence changes on splicing suggest that this variant may not impact splicing, though these predictions have not been confirmed by functional studies. The overall evidence is insufficient to meet ACMG/AMP criteria for classifying it as benign or pathogenic. In summary, the clinical significance of this variant is currently uncertain.